The following is an entry in ClinVar:

NM_020822.3(KCNT1):c.1877A>T (p.Asn626Ile)

Gene: KCNT1 (potassium sodium-activated channel subfamily T member 1; plus strand). Cytogenetic location: 9q34.3.
Variant type: single nucleotide variant.
Coding change: c.1877A>T on transcript NM_020822.3 (MANE Select); coding-DNA position 1877, A replaced by T.
Protein change: p.Asn626Ile; replaces asparagine 626 with isoleucine.
Molecular consequence: missense variant.
Genome position (GRCh38, 1-based): chr9:135,770,964, A>T. VCF-style: chr9-135770964-A-T. GRCh37 (hg19) VCF-style: chr9-138662810-A-T.
Other names: c.1742A>T, p.Asn581Ile (NM_001272003.2); short protein forms N581I, N626I.
Identifiers: ClinVar variation 2659717 (VCV002659717.24), dbSNP rs139988185, ClinGen allele CA375508401.
Genomic context (GRCh38, chr9:135,770,964, plus strand): 5'-TCCTGCTGAACCCGGGGCCCCGGCACATCCTGGCCGCCTCTGACACCTGCTTCTACATCA[A>T]CATCACCAAGGAGGAGAACTCGGCCTTCATCTTCAAGCAGGAGGAGAAGCGGAAGAAGAG-3'
Protein context (NP_065873.2, residues 616-636): LAASDTCFYI[Asn626Ile]ITKEENSAFI

ClinVar aggregate classification (germline): Uncertain significance (1 of 4 stars; one submission).

Submission:

CeGaT Center for Human Genetics Tuebingen
Classification: Uncertain significance. Last evaluated: 2023-01-01. Review status: criteria provided, single submitter. Criteria: CeGaT Center For Human Genetics Tuebingen Variant Classification Criteria Version 2. Collection method: clinical testing. Allele origin: germline. Affected: yes. Observed: 1 variant allele.
Comment: KCNT1: PM2